The following is an entry in ClinVar:

NM_004563.4(PCK2):c.1876G>C (p.Val626Leu)

Genes: NRL (neural retina leucine zipper; minus strand), PCK2 (phosphoenolpyruvate carboxykinase 2, mitochondrial; plus strand). Cytogenetic location: 14q12.
Variant type: single nucleotide variant.
Coding change: c.1876G>C on transcript NM_004563.4 (MANE Select); coding-DNA position 1876, G replaced by C.
Protein change: p.Val626Leu; replaces valine 626 with leucine.
Molecular consequence: missense variant. On other transcripts: intron variant (3).
Genome position (GRCh38, 1-based): chr14:24,103,917, G>C. VCF-style: chr14-24103917-G-C. GRCh37 (hg19) VCF-style: chr14-24573126-G-C.
Other names: c.-28+10805C>G (NM_001354768.3, NM_001354770.2); c.-254+10805C>G (NM_006177.5); c.1474G>C, p.Val492Leu (NM_001291556.2, NM_001308054.2); short protein forms V492L, V626L.
Identifiers: ClinVar variation 3636616 (VCV003636616.2).
Genomic context (GRCh38, chr14:24,103,917, plus strand): 5'-GAGGTTCGTGACATTCGGAGCTACCTGACAGAGCAGGTCAACCAGGATCTGCCCAAAGAG[G>C]TGTTGGCTGAGCTTGAGGCCCTGGAGAGACGTGTGCACAAAATGTGACCTGAGGCCCTAG-3'
Protein context (NP_004554.3, residues 616-636): EQVNQDLPKE[Val626Leu]LAELEALERR

ClinVar aggregate classification (germline): Uncertain significance (1 of 4 stars; one submission).

gnomAD v4.1: 1 of 1,614,150 alleles (0.000062%); highest among the groups gnomAD compares: Non-Finnish European, 0.000085%; no homozygotes.

Submission:

Labcorp Genetics (formerly Invitae), Labcorp
Classification: Uncertain significance. Last evaluated: 2024-11-04. Review status: criteria provided, single submitter. Criteria: Invitae Variant Classification Sherloc (09022015). Collection method: clinical testing. Allele origin: germline.
Comment: This sequence change replaces valine, which is neutral and non-polar, with leucine, which is neutral and non-polar, at codon 626 of the PCK2 protein (p.Val626Leu). This variant is not present in population databases (gnomAD no frequency). This variant has not been reported in the literature in individuals affected with PCK2-related conditions. Invitae Evidence Modeling of protein sequence and biophysical properties (such as structural, functional, and spatial information, amino acid conservation, physicochemical variation, residue mobility, and thermodynamic stability) indicates that this missense variant is not expected to disrupt PCK2 protein function with a negative predictive value of 80%. In summary, the available evidence is currently insufficient to determine the role of this variant in disease. Therefore, it has been classified as a Variant of Uncertain Significance.